The following is an entry in ClinVar:

ClinVar aggregate classification (germline): Uncertain significance (1 of 4 stars; one submission).

Conditions:
Hereditary cancer-predisposing syndrome. Also called: Tumor predisposition; Hereditary Cancer Syndrome; Hereditary neoplastic syndrome; Neoplastic Syndromes, Hereditary. Identifiers: Orphanet 140162, MedGen C0027672, MeSH D009386, MONDO:0015356.

Submission:

Ambry Genetics
Classification: Uncertain significance for Hereditary cancer-predisposing syndrome. Last evaluated: 2023-09-08. Review status: criteria provided, single submitter. Criteria: Ambry Variant Classification Scheme 2023. Collection method: clinical testing. Allele origin: germline.
Comment: The c.1058_1063delAATCTT variant (also known as p.K353_L355delinsI) is located in coding exon 4 of the PALB2 gene. This variant results from an in-frame AATCTT deletion at nucleotide positions 1058 to 1063. Three amino acid residues at codons 353 to 355 are replaced by isoleucine. These amino acid positions are not well conserved in available vertebrate species. In addition, this alteration is predicted to be deleterious by in silico analysis (Choi Y et al. PLoS ONE. 2012; 7(10):e46688). Since supporting evidence is limited at this time, the clinical significance of this alteration remains unclear.

NM_024675.4(PALB2):c.1058_1063del (p.Lys353_Leu355delinsIle)

Gene: PALB2 (partner and localizer of BRCA2; minus strand). Cytogenetic location: 16p12.2.
Variant type: Deletion.
Coding change: c.1058_1063del on transcript NM_024675.4 (MANE Select); coding-DNA positions 1058 to 1063, 6 bases deleted (AATCTT; older notation c.1058_1063delAATCTT).
Protein change: p.Lys353_Leu355delinsIle.
Molecular consequence: inframe indel. On other transcripts: intron variant (3).
Genome position (GRCh38, 1-based): chr16:23,635,483-23,635,488, AAGATT deleted on the plus strand (AATCTT on the coding strand, the reverse complement: PALB2 is on the minus strand). VCF-style (leftmost placement, unchanged base first): chr16-23635482-AAAGATT-A. GRCh37 (hg19) VCF-style: chr16-23646803-AAAGATT-A.
Other names: c.998_1003del, p.Lys333_Leu335delinsIle (NM_001407296.1); c.1058_1063del, p.Lys353_Leu355delinsIle (NM_001407297.1, NM_001407298.1, NM_001407299.1 and 3 more transcripts); c.173_178del, p.Lys58_Leu60delinsIle (NM_001407304.1, NM_001407305.1, NM_001407306.1 and 5 more transcripts); c.48+5622_48+5627del (NM_001407314.1); c.-104-5019_-104-5014del (NM_001407313.1, NM_001407312.1).
Identifiers: ClinVar variation 2587418 (VCV002587418.2), dbSNP rs2506490343, ClinGen allele CA2582342512.
Genomic context (GRCh38, chr16:23,635,482, plus strand): 5'-AGAATCTCACTTTCCTGAAGATTTTCATTCCTGCCATCAAGAGTGTCACTGGGAGATTTT[AAAGATT>A]TCTCTGTTTGATTTTGTTCTTTTAAGTTTTGGTTTTCATTTGCTGGTAAGTTATTGTAGG-3'